The following is an entry in ClinVar:

ClinVar aggregate classification (germline): Likely benign. Review status: criteria provided, multiple submitters, no conflicts (2 of 4 stars). 2 submissions from 2 submitters: Likely benign (2). Last evaluated 2026-06-01.

Conditions:
FMN2-related disorder. Also called: FMN2-related condition.

Allele frequency attached by ClinVar (database versions not stated): ExAC 0.00001; 1000 Genomes Project 0.00080.

Submissions (2):

CeGaT Center for Human Genetics Tuebingen
Classification: Likely benign. Last evaluated: 2026-06-01. Review status: criteria provided, single submitter. Criteria: CeGaT Center For Human Genetics Tuebingen Variant Classification Criteria Version 2. Collection method: clinical testing. Allele origin: germline. Affected: yes. Observed: 9 variant alleles.
Comment: FMN2: BP4, BP7

PreventionGenetics, part of Exact Sciences
Classification: Likely benign for FMN2-related condition. Last evaluated: 2020-03-27. Review status: criteria provided, single submitter. Criteria: ACMG Guidelines, 2015. Collection method: clinical testing. Allele origin: germline.
Comment: This variant is classified as likely benign based on ACMG/AMP sequence variant interpretation guidelines (Richards et al. 2015 PMID: 25741868, with internal and published modifications).

NM_020066.5(FMN2):c.2796C>T (p.Leu932=)

Gene: FMN2 (formin 2; plus strand). Cytogenetic location: 1q43.
Variant type: single nucleotide variant.
Coding change: c.2796C>T on transcript NM_020066.5 (MANE Select); coding-DNA position 2796, C replaced by T.
Protein change: p.Leu932=; no amino-acid change (leucine 932 retained).
Molecular consequence: synonymous variant. On other transcripts: intron variant (1).
Genome position (GRCh38, 1-based): chr1:240,207,608, C>T. VCF-style: chr1-240207608-C-T. GRCh37 (hg19) VCF-style: chr1-240370908-C-T.
Other names: c.2796C>T (NM_020066.4); c.2808C>T, p.Leu936= (NM_001305424.2); c.1986+19346C>T (NM_001348094.2).
Identifiers: ClinVar variation 2640136 (VCV002640136.25), dbSNP rs540821706, ClinGen allele CA1476751.